The following is an entry in ClinVar:

ClinVar aggregate classification (germline): Benign. Review status: criteria provided, multiple submitters, no conflicts (2 of 4 stars). 6 submissions from 6 submitters: Benign (4). 2 of the submissions do not count toward it. Last evaluated 2026-09-21.

Conditions:
Aortic aneurysm, familial thoracic 8 (AAT8). Identifiers: MedGen C3809513, MONDO:0014187, OMIM 615436.
Familial thoracic aortic aneurysm and aortic dissection (TAAD). Also called: Thoracic aortic aneurysms and dissections. Identifiers: Orphanet 91387, MedGen C4707243, MONDO:0019625.

Allele frequency attached by ClinVar (database versions not stated): TOPMed 0.00064; gnomAD exomes 0.00348; ExAC 0.00392; 1000 Genomes Project 30x 0.00671; gnomAD 0.00050 and 0.00124; ESP Exome Variant Server 0.00069; 1000 Genomes Project 0.00679.
gnomAD v4.1: 2,622 of 1,586,734 alleles (0.17%); highest among the groups gnomAD compares: South Asian, 2.6%; 63 homozygotes.

Submissions (6):

Molecular Diagnostic Laboratory for Inherited Cardiovascular Disease, Montreal Heart Institute
Classification: Benign. Last evaluated: 2026-09-21. Review status: criteria provided, single submitter. Criteria: ACMG Guidelines, 2015. Collection method: clinical testing. Allele origin: germline. Affected: no.
Comment: BP7

Labcorp Genetics (formerly Invitae), Labcorp
Classification: Benign for Aortic aneurysm, familial thoracic 8. Last evaluated: 2026-01-26. Review status: criteria provided, single submitter. Criteria: Invitae Variant Classification Sherloc (09022015). Collection method: clinical testing. Allele origin: germline.

Ambry Genetics
Classification: Benign for Familial thoracic aortic aneurysm and aortic dissection. Last evaluated: 2018-02-06. Review status: criteria provided, single submitter. Criteria: Ambry Variant Classification Scheme 2023. Collection method: clinical testing. Allele origin: germline.

GeneDx
Classification: Benign. Last evaluated: 2017-03-06. Review status: criteria provided, single submitter. Criteria: GeneDx Variant Classification (06012015). Collection method: clinical testing. Allele origin: germline. Affected: yes.
Comment: This variant is considered likely benign or benign based on one or more of the following criteria: it is a conservative change, it occurs at a poorly conserved position in the protein, it is predicted to be benign by multiple in silico algorithms, and/or has population frequency not consistent with disease.

Clinical Genetics DNA and cytogenetics Diagnostics Lab, Erasmus MC, Erasmus Medical Center
Classification: Likely benign. Review status: no assertion criteria provided. Collection method: clinical testing. Allele origin: germline. Affected: yes. Study: VKGL Data-share Consensus. Not counted in ClinVar's aggregate classification.

Genome Diagnostics Laboratory, Amsterdam University Medical Center
Classification: Benign. Review status: no assertion criteria provided. Collection method: clinical testing. Allele origin: germline. Affected: yes. Study: VKGL Data-share Consensus. Not counted in ClinVar's aggregate classification.

NM_006258.4(PRKG1):c.675C>T (p.Thr225=)

Gene: PRKG1 (protein kinase cGMP-dependent 1; plus strand). Cytogenetic location: 10q21.1.
Variant type: single nucleotide variant.
Coding change: c.675C>T on transcript NM_006258.4 (MANE Select); coding-DNA position 675, C replaced by T.
Protein change: p.Thr225=; no amino-acid change (threonine 225 retained).
Molecular consequence: synonymous variant.
Genome position (GRCh38, 1-based): chr10:51,804,667, C>T. VCF-style: chr10-51804667-C-T. GRCh37 (hg19) VCF-style: chr10-53564427-C-T.
Other names: c.630C>T, p.Thr210= (NM_001098512.3, LRG_1135t2); c.675C>T, p.Thr225= (LRG_1135t1).
Identifiers: ClinVar variation 477780 (VCV000477780.18), dbSNP rs142166726, ClinGen allele CA5503561.